The following is an entry in ClinVar:

ClinVar aggregate classification (germline): Pathogenic (1 of 4 stars; one submission).

Submission:

Clinical Genomics Laboratory, Laboratory for Precision Diagnostics, University of Washington
Classification: Pathogenic. Last evaluated: 2018-03-09. Review status: criteria provided, single submitter. Criteria: Clinical Cytogenomics Laboratory Policy on CNV Interpretation. Collection method: clinical testing. Allele origin: unknown. Affected: yes. Observed: 1 variant allele.

GRCh37/hg19 22q11.21(chr22:18892575-20306993)x3

Genes: CLTCL1 (clathrin heavy chain like 1; minus strand), COMT (catechol-O-methyltransferase; plus strand), DGCR2 (DiGeorge syndrome critical region gene 2; minus strand), DGCR6 (DiGeorge syndrome critical region gene 6; plus strand), ESS2 (ess-2 splicing factor homolog; minus strand) and 24 more. Cytogenetic location: 22q11.21.
Variant type: copy number gain.
Change: copy number 3 (three copies instead of two) of chr22:18,892,575-20,306,993 (1.41 Mb, GRCh37 coordinates, 1-based), cytogenetic band 22q11.21.
Identifiers: ClinVar variation 816509 (VCV000816509.2).